The following is an entry in ClinVar:

ClinVar aggregate classification (germline): Uncertain significance (1 of 4 stars; one submission).

Allele frequency attached by ClinVar (database versions not stated): TOPMed 0.00001; gnomAD exomes 0.00002.
gnomAD v4.1: 30 of 1,612,846 alleles (0.0019%); highest among the groups gnomAD compares: Non-Finnish European, 0.0025%; no homozygotes.

Submission:

Ambry Genetics
Classification: Uncertain significance. Last evaluated: 2023-12-04. Review status: criteria provided, single submitter. Criteria: Ambry Variant Classification Scheme 2023. Collection method: clinical testing. Allele origin: germline.
Comment: The p.D195N variant (also known as c.583G>A), located in coding exon 1 of the EGLN2 gene, results from a G to A substitution at nucleotide position 583. The aspartic acid at codon 195 is replaced by asparagine, an amino acid with highly similar properties. This amino acid position is conserved. In addition, this alteration is predicted to be tolerated by in silico analysis. Since supporting evidence is limited at this time, the clinical significance of this alteration remains unclear.

NM_080732.4(EGLN2):c.583G>A (p.Asp195Asn)

Genes: EGLN2 (egl-9 family hypoxia inducible factor 2; plus strand), RAB4B-EGLN2 (RAB4B-EGLN2 readthrough (NMD candidate); plus strand). Cytogenetic location: 19q13.2.
Variant type: single nucleotide variant.
Coding change: c.583G>A on transcript NM_080732.4 (MANE Select); coding-DNA position 583, G replaced by A.
Protein change: p.Asp195Asn; replaces aspartic acid 195 with asparagine.
Molecular consequence: missense variant. On other transcripts: non-coding transcript variant (1).
Genome position (GRCh38, 1-based): chr19:40,801,155, G>A. VCF-style: chr19-40801155-G-A. GRCh37 (hg19) VCF-style: chr19-41307060-G-A.
Other names: c.583G>A, p.Asp195Asn (NM_053046.4); short protein forms D195N.
Identifiers: ClinVar variation 1750010 (VCV001750010.2), dbSNP rs748611551, ClinGen allele CA9452251.